The following is an entry in ClinVar:

ClinVar aggregate classification (germline): Uncertain significance (1 of 4 stars; one submission).

gnomAD v4.1: 1 of 1,613,908 alleles (0.000062%); highest among the groups gnomAD compares: Non-Finnish European, 0.000085%; no homozygotes.

Submission:

Labcorp Genetics (formerly Invitae), Labcorp
Classification: Uncertain significance. Last evaluated: 2024-05-18. Review status: criteria provided, single submitter. Criteria: Invitae Variant Classification Sherloc (09022015). Collection method: clinical testing. Allele origin: germline.
Comment: This sequence change replaces glutamic acid, which is acidic and polar, with glycine, which is neutral and non-polar, at codon 411 of the ALPK3 protein (p.Glu411Gly). This variant is present in population databases (no rsID available, gnomAD 0.0009%). This variant has not been reported in the literature in individuals affected with ALPK3-related conditions. An algorithm developed to predict the effect of missense changes on protein structure and function (PolyPhen-2) suggests that this variant is likely to be disruptive. In summary, the available evidence is currently insufficient to determine the role of this variant in disease. Therefore, it has been classified as a Variant of Uncertain Significance.

NM_020778.5(ALPK3):c.626A>G (p.Glu209Gly)

Gene: ALPK3 (alpha kinase 3; plus strand). Cytogenetic location: 15q25.3.
Variant type: single nucleotide variant.
Coding change: c.626A>G on transcript NM_020778.5 (MANE Select); coding-DNA position 626, A replaced by G.
Protein change: p.Glu209Gly; replaces glutamic acid 209 with glycine.
Molecular consequence: missense variant.
Genome position (GRCh38, 1-based): chr15:84,839,905, A>G. VCF-style: chr15-84839905-A-G. GRCh37 (hg19) VCF-style: chr15-85383136-A-G.
Other names: short protein forms E209G.
Identifiers: ClinVar variation 3622973 (VCV003622973.2).